The following is an entry in ClinVar:

ClinVar aggregate classification (germline): Likely benign (1 of 4 stars; one submission).

Allele frequency attached by ClinVar (database versions not stated): gnomAD exomes below 0.00001.
gnomAD v4.1: 2 of 1,210,841 alleles (0.00017%); highest among the groups gnomAD compares: Non-Finnish European, 0.00022%; no homozygotes.

Submission:

GeneDx
Classification: Likely benign. Last evaluated: 2016-04-11. Review status: criteria provided, single submitter. Criteria: GeneDx Variant Classification (06012015). Collection method: clinical testing. Allele origin: germline. Affected: yes.
Comment: This variant is considered likely benign or benign based on one or more of the following criteria: it is a conservative change, it occurs at a poorly conserved position in the protein, it is predicted to be benign by multiple in silico algorithms, and/or has population frequency not consistent with disease.

NM_001110556.2(FLNA):c.2742C>T (p.Leu914=)

Gene: FLNA (filamin A; minus strand). Cytogenetic location: Xq28.
Variant type: single nucleotide variant.
Coding change: c.2742C>T on transcript NM_001110556.2 (MANE Select); coding-DNA position 2742, C replaced by T.
Protein change: p.Leu914=; no amino-acid change (leucine 914 retained).
Molecular consequence: synonymous variant.
Genome position (GRCh38, 1-based): chrX:154,362,063, G>A on the plus strand (C>T on the coding strand, the complement: FLNA is on the minus strand). VCF-style: chrX-154362063-G-A. GRCh37 (hg19) VCF-style: chrX-153590431-G-A.
Other names: c.2742C>T, p.Leu914= (NM_001456.4).
Identifiers: ClinVar variation 385536 (VCV000385536.1), dbSNP rs1057522253, ClinGen allele CA16608804.